The following is an entry in ClinVar:

NM_004304.5(ALK):c.2348G>A (p.Cys783Tyr)

Gene: ALK (ALK receptor tyrosine kinase; minus strand). Cytogenetic location: 2p23.2.
Variant type: single nucleotide variant.
Coding change: c.2348G>A on transcript NM_004304.5 (MANE Select); coding-DNA position 2348, G replaced by A.
Protein change: p.Cys783Tyr; replaces cysteine 783 with tyrosine.
Molecular consequence: missense variant.
Genome position (GRCh38, 1-based): chr2:29,239,687, C>T on the plus strand (G>A on the coding strand, the complement: ALK is on the minus strand). VCF-style: chr2-29239687-C-T. GRCh37 (hg19) VCF-style: chr2-29462553-C-T.
Other names: short protein forms C783Y.
Identifiers: ClinVar variation 3525005 (VCV003525005.1).
Genomic context (GRCh38, chr2:29,239,687, plus strand): 5'-CTTCCCGGGGCCTGACAGAGTGCAGACGAGAAACCCCTGCTCTGGGCACTTACACTGGGG[C>T]AGGCGTCCTCTCCCTGCTGCCCAACCAGGATGTACAGCATGTCATCCTTCTCCAGGTTGA-3'
Protein context (NP_004295.2, residues 773-793): ILVGQQGEDA[Cys783Tyr]PSTNQLIQKV

ClinVar aggregate classification (germline): Uncertain significance (1 of 4 stars; one submission).

Conditions:
Hereditary cancer-predisposing syndrome. Also called: Hereditary Cancer Syndrome; Hereditary neoplastic syndrome; Tumor predisposition; Neoplastic Syndromes, Hereditary. Identifiers: Orphanet 140162, MedGen C0027672, MeSH D009386, MONDO:0015356.

gnomAD v4.1: 1 of 1,613,906 alleles (0.000062%); highest among the groups gnomAD compares: Admixed American, 0.0017%; no homozygotes.

Submission:

Ambry Genetics
Classification: Uncertain significance for Hereditary cancer-predisposing syndrome. Last evaluated: 2024-10-24. Review status: criteria provided, single submitter. Criteria: Ambry Variant Classification Scheme 2023. Collection method: clinical testing. Allele origin: germline.
Comment: The p.C783Y variant (also known as c.2348G>A), located in coding exon 13 of the ALK gene, results from a G to A substitution at nucleotide position 2348. The cysteine at codon 783 is replaced by tyrosine, an amino acid with highly dissimilar properties. This amino acid position is conserved. In addition, this alteration is predicted to be deleterious by in silico analysis. Based on the available evidence, the clinical significance of this variant remains unclear.